The following is an entry in ClinVar:

ClinVar aggregate classification (germline): Uncertain significance (1 of 4 stars; one submission).

gnomAD v4.1: 1 of 1,613,930 alleles (0.000062%); highest among the groups gnomAD compares: Admixed American, 0.0017%; no homozygotes.

Submission:

Mayo Clinic Laboratories, Mayo Clinic
Classification: Uncertain significance. Last evaluated: 2024-08-21. Review status: criteria provided, single submitter. Criteria: ACMG Guidelines, 2015. Collection method: clinical testing. Allele origin: germline. Observed: 1 variant allele.
Comment: BP4, PM2

NM_172351.3(CD46):c.794G>A (p.Ser265Asn)

Gene: CD46 (CD46 molecule; plus strand). Cytogenetic location: 1q32.2.
Variant type: single nucleotide variant.
Coding change: c.794G>A on transcript NM_172351.3 (MANE Select); coding-DNA position 794, G replaced by A.
Protein change: p.Ser265Asn; replaces serine 265 with asparagine.
Molecular consequence: missense variant.
Genome position (GRCh38, 1-based): chr1:207,767,133, G>A. VCF-style: chr1-207767133-G-A. GRCh37 (hg19) VCF-style: chr1-207940478-G-A.
Other names: p.Ser265Asn; c.794G>A, p.Ser265Asn (NM_002389.4, NM_153826.4, NM_172350.3 and 8 more transcripts); short protein forms S265N.
Identifiers: ClinVar variation 3380581 (VCV003380581.1).